The following is an entry in ClinVar:

ClinVar aggregate classification (germline): Uncertain significance (1 of 4 stars; one submission).

Allele frequency attached by ClinVar (database versions not stated): gnomAD 0.00001.
gnomAD v4.1: 1 of 1,613,950 alleles (0.000062%); highest among the groups gnomAD compares: Non-Finnish European, 0.000085%; no homozygotes.

Submission:

Ambry Genetics
Classification: Uncertain significance. Last evaluated: 2023-06-30. Review status: criteria provided, single submitter. Criteria: Ambry Variant Classification Scheme 2023. Collection method: clinical testing. Allele origin: germline.
Comment: The p.R1634G variant (also known as c.4900C>G), located in coding exon 43 of the KIF1B gene, results from a C to G substitution at nucleotide position 4900. The arginine at codon 1634 is replaced by glycine, an amino acid with dissimilar properties. This amino acid position is highly conserved in available vertebrate species. In addition, the in silico prediction for this alteration is inconclusive. The evidence for this gene-disease relationship is limited; therefore, the clinical significance of this alteration is unclear.

NM_001365951.3(KIF1B):c.5038C>G (p.Arg1680Gly)

Gene: KIF1B (kinesin family member 1B; plus strand). Cytogenetic location: 1p36.22.
Variant type: single nucleotide variant.
Coding change: c.5038C>G on transcript NM_001365951.3 (MANE Select); coding-DNA position 5038, C replaced by G.
Protein change: p.Arg1680Gly; replaces arginine 1680 with glycine.
Molecular consequence: missense variant.
Genome position (GRCh38, 1-based): chr1:10,374,407, C>G. VCF-style: chr1-10374407-C-G. GRCh37 (hg19) VCF-style: chr1-10434465-C-G.
Other names: c.5038C>G, p.Arg1680Gly (NM_001365952.1); c.4900C>G, p.Arg1634Gly (NM_015074.3); short protein forms R1634G, R1680G.
Identifiers: ClinVar variation 2624303 (VCV002624303.2), dbSNP rs907179445, ClinGen allele CA17855943.